The following is an entry in ClinVar:

ClinVar aggregate classification (germline): Uncertain significance (1 of 4 stars; one submission).

Conditions:
EDN3-related disorder. Also called: EDN3-related condition.

gnomAD v4.1: 20 of 1,614,188 alleles (0.0012%); highest among the groups gnomAD compares: Non-Finnish European, 0.0015%; no homozygotes.

Submission:

PreventionGenetics, part of Exact Sciences
Classification: Uncertain significance for EDN3-related condition. Last evaluated: 2025-05-26. Review status: criteria provided, single submitter. Criteria: ACMG Guidelines, 2015. Collection method: clinical testing. Allele origin: germline.
Comment: The EDN3 c.673C>G variant is predicted to result in the amino acid substitution p.Pro225Ala. To our knowledge, this variant has not been reported in the literature. This variant is reported in 0.0026% of alleles in individuals of European (Non-Finnish) descent in gnomAD. At this time, the clinical significance of this variant is uncertain due to the absence of conclusive functional and genetic evidence.

NM_207034.3(EDN3):c.673C>G (p.Pro225Ala)

Gene: EDN3 (endothelin 3; plus strand). Cytogenetic location: 20q13.32.
Variant type: single nucleotide variant.
Coding change: c.673C>G on transcript NM_207034.3 (MANE Select); coding-DNA position 673, C replaced by G.
Protein change: p.Pro225Ala; replaces proline 225 with alanine.
Molecular consequence: missense variant. On other transcripts: 3 prime UTR variant (5).
Genome position (GRCh38, 1-based): chr20:59,324,415, C>G. VCF-style: chr20-59324415-C-G. GRCh37 (hg19) VCF-style: chr20-57899470-C-G.
Other names: c.*80C>G (NM_001302455.2); c.*48C>G (NM_001302456.2, NM_001424361.1, NM_207032.3); c.712C>G, p.Pro238Ala (NM_001424362.1); c.*111C>G (NM_001424363.1); c.631C>G, p.Pro211Ala (NM_207033.3); short protein forms P211A, P225A, P238A.
Identifiers: ClinVar variation 4980040 (VCV004980040.1).